The following is an entry in ClinVar:

NM_018993.4(RIN2):c.1103T>G (p.Leu368Arg)

Gene: RIN2 (Ras and Rab interactor 2; plus strand). Cytogenetic location: 20p11.23.
Variant type: single nucleotide variant.
Coding change: c.1103T>G on transcript NM_018993.4 (MANE Select); coding-DNA position 1103, T replaced by G.
Protein change: p.Leu368Arg; replaces leucine 368 with arginine.
Molecular consequence: missense variant.
Genome position (GRCh38, 1-based): chr20:19,975,128, T>G. VCF-style: chr20-19975128-T-G. GRCh37 (hg19) VCF-style: chr20-19955772-T-G.
Other names: c.1250T>G, p.Leu417Arg (NM_001242581.2); c.485T>G, p.Leu162Arg (NM_001378238.1); short protein forms L162R, L368R, L417R.
Identifiers: ClinVar variation 1936234 (VCV001936234.2), dbSNP rs1170934138, ClinGen allele CA408361862.

ClinVar aggregate classification (germline): Uncertain significance (1 of 4 stars; one submission).

Allele frequency attached by ClinVar (database versions not stated): TOPMed below 0.00001; gnomAD exomes 0.00003.
gnomAD v4.1: 39 of 1,613,328 alleles (0.0024%); highest among the groups gnomAD compares: Non-Finnish European, 0.0033%; no homozygotes.

Submission:

Labcorp Genetics (formerly Invitae), Labcorp
Classification: Uncertain significance. Last evaluated: 2022-09-07. Review status: criteria provided, single submitter. Criteria: Invitae Variant Classification Sherloc (09022015). Collection method: clinical testing. Allele origin: germline.
Comment: This sequence change replaces leucine, which is neutral and non-polar, with arginine, which is basic and polar, at codon 368 of the RIN2 protein (p.Leu368Arg). This variant is present in population databases (no rsID available, gnomAD 0.0009%). This variant has not been reported in the literature in individuals affected with RIN2-related conditions. Algorithms developed to predict the effect of missense changes on protein structure and function are either unavailable or do not agree on the potential impact of this missense change (SIFT: "Tolerated"; PolyPhen-2: "Not Available"; Align-GVGD: "Class C0"). In summary, the available evidence is currently insufficient to determine the role of this variant in disease. Therefore, it has been classified as a Variant of Uncertain Significance.